The following is an entry in ClinVar:

NM_004357.5(CD151):c.616-5C>T

Gene: CD151 (CD151 molecule (Raph blood group); plus strand). Cytogenetic location: 11p15.5.
Variant type: single nucleotide variant.
Coding change: c.616-5C>T on transcript NM_004357.5 (MANE Select); 5 bases into the intron before coding-DNA position 616, C replaced by T.
Molecular consequence: intron variant.
Genome position (GRCh38, 1-based): chr11:837,937, C>T. VCF-style: chr11-837937-C-T. GRCh37 (hg19) VCF-style: chr11-837937-C-T.
Other names: c.616-5C>T (NM_139030.4, NM_139029.2, NM_001039490.2 and 1 more transcripts).
Identifiers: ClinVar variation 2075207 (VCV002075207.6), dbSNP rs374891770, ClinGen allele CA5792318.

ClinVar aggregate classification (germline): Likely benign. Review status: criteria provided, multiple submitters, no conflicts (2 of 4 stars). 3 submissions from 3 submitters: Likely benign (3). Last evaluated 2025-08-04.

Conditions:
CD151-related disorder. Also called: CD151-related condition.

Allele frequency attached by ClinVar (database versions not stated): ESP Exome Variant Server 0.00008.

Submissions (3):

Labcorp Genetics (formerly Invitae), Labcorp
Classification: Likely benign. Last evaluated: 2025-08-04. Review status: criteria provided, single submitter. Criteria: Invitae Variant Classification Sherloc (09022015). Collection method: clinical testing. Allele origin: germline.

PreventionGenetics, part of Exact Sciences
Classification: Likely benign for CD151-related condition. Last evaluated: 2024-12-09. Review status: criteria provided, single submitter. Criteria: ACMG Guidelines, 2015. Collection method: clinical testing. Allele origin: germline.
Comment: This variant is classified as likely benign based on ACMG/AMP sequence variant interpretation guidelines (Richards et al. 2015 PMID: 25741868, with internal and published modifications).

Blueprint Genetics
Classification: Likely benign. Last evaluated: 2024-10-04. Review status: criteria provided, single submitter. Criteria: ACMG Guidelines, 2015. Collection method: clinical testing. Allele origin: germline.